The following is an entry in ClinVar:

ClinVar aggregate classification (germline): Uncertain significance. Review status: criteria provided, multiple submitters, no conflicts (2 of 4 stars). 2 submissions from 2 submitters: Uncertain significance (2). Last evaluated 2026-04-28.

Conditions:
Channelopathy-associated congenital insensitivity to pain, autosomal recessive. Also called: ASYMBOLIA FOR PAIN; CONGENITAL ANALGESIA, AUTOSOMAL RECESSIVE; Insensitivity to pain, channelopathy-associated. Identifiers: Orphanet 88642, Orphanet 970, MedGen C1855739, MONDO:0009459, OMIM 243000.

Submissions (2):

Medical Molecular Genetics, National Research Centre
Classification: Uncertain significance for Channelopathy-associated congenital insensitivity to pain, autosomal recessive. Last evaluated: 2026-04-28. Review status: criteria provided, single submitter. Criteria: ACMG Guidelines, 2015. Collection method: research. Allele origin: inherited. Affected: yes.
Comment: The p.(Ser1398Phe) variant results in the substitution of serine by phenylalanine at codon 1398 of the SCN9A protein. This amino acid change may affect channel function.

GeneDx
Classification: Uncertain significance. Last evaluated: 2024-12-18. Review status: criteria provided, single submitter. Criteria: GeneDx Variant Classification Process June 2021. Collection method: clinical testing. Allele origin: germline. Affected: yes.
Comment: Not observed at significant frequency in large population cohorts (gnomAD); In silico analysis supports that this missense variant has a deleterious effect on protein structure/function; Has not been previously published as pathogenic or benign to our knowledge.

NM_001365536.1(SCN9A):c.4193C>T (p.Ser1398Phe)

Genes: SCN1A-AS1 (SCN1A and SCN9A antisense RNA 1; plus strand), SCN9A (sodium voltage-gated channel alpha subunit 9; minus strand). Cytogenetic location: 2q24.3.
Variant type: single nucleotide variant.
Coding change: c.4193C>T on transcript NM_001365536.1 (MANE Select); coding-DNA position 4193, C replaced by T.
Protein change: p.Ser1398Phe; replaces serine 1398 with phenylalanine.
Molecular consequence: missense variant.
Genome position (GRCh38, 1-based): chr2:166,228,704, G>A on the plus strand (C>T on the coding strand, the complement: SCN9A is on the minus strand). VCF-style: chr2-166228704-G-A. GRCh37 (hg19) VCF-style: chr2-167085214-G-A.
Other names: c.4160C>T, p.Ser1387Phe (NM_002977.4); short protein forms S1387F, S1398F.
Identifiers: ClinVar variation 4055759 (VCV004055759.2).